The following is an entry in ClinVar:

NM_002354.3(EPCAM):c.745A>G (p.Ile249Val)

Gene: EPCAM (epithelial cell adhesion molecule; plus strand). Cytogenetic location: 2p21.
Variant type: single nucleotide variant.
Coding change: c.745A>G on transcript NM_002354.3 (MANE Select); coding-DNA position 745, A replaced by G.
Protein change: p.Ile249Val; replaces isoleucine 249 with valine.
Molecular consequence: missense variant.
Genome position (GRCh38, 1-based): chr2:47,379,856, A>G. VCF-style: chr2-47379856-A-G. GRCh37 (hg19) VCF-style: chr2-47606995-A-G.
Other names: short protein forms I249V.
Identifiers: ClinVar variation 3275854 (VCV003275854.1).

ClinVar aggregate classification (germline): Uncertain significance (1 of 4 stars; one submission).

Conditions:
Hereditary cancer-predisposing syndrome. Also called: Tumor predisposition; Hereditary Cancer Syndrome; Hereditary neoplastic syndrome; Neoplastic Syndromes, Hereditary. Identifiers: Orphanet 140162, MedGen C0027672, MeSH D009386, MONDO:0015356.

Submission:

Ambry Genetics
Classification: Uncertain significance for Hereditary cancer-predisposing syndrome. Last evaluated: 2024-06-19. Review status: criteria provided, single submitter. Criteria: Ambry Variant Classification Scheme 2023. Collection method: clinical testing. Allele origin: germline.
Comment: The p.I249V variant (also known as c.745A>G), located in coding exon 7 of the EPCAM gene, results from an A to G substitution at nucleotide position 745. The isoleucine at codon 249 is replaced by valine, an amino acid with highly similar properties. This amino acid position is conserved. In addition, this alteration is predicted to be tolerated by in silico analysis. Based on the available evidence, the clinical significance of this variant remains unclear.